The following is an entry in ClinVar:

NM_003151.4(STAT4):c.1928G>A (p.Arg643Gln)

Gene: STAT4 (signal transducer and activator of transcription 4; minus strand). Cytogenetic location: 2q32.2.
Variant type: single nucleotide variant.
Coding change: c.1928G>A on transcript NM_003151.4 (MANE Select); coding-DNA position 1928, G replaced by A.
Protein change: p.Arg643Gln; replaces arginine 643 with glutamine.
Molecular consequence: missense variant.
Genome position (GRCh38, 1-based): chr2:191,033,074, C>T on the plus strand (G>A on the coding strand, the complement: STAT4 is on the minus strand). VCF-style: chr2-191033074-C-T. GRCh37 (hg19) VCF-style: chr2-191897800-C-T.
Other names: c.1928G>A, p.Arg643Gln (NM_001243835.2); short protein forms R643Q.
Identifiers: ClinVar variation 4803616 (VCV004803616.1).

ClinVar aggregate classification (germline): Uncertain significance (1 of 4 stars; one submission).

gnomAD v4.1: 2 of 1,614,130 alleles (0.00012%); highest among the groups gnomAD compares: South Asian, 0.0011%; no homozygotes.

Submission:

Labcorp Genetics (formerly Invitae), Labcorp
Classification: Uncertain significance. Last evaluated: 2025-03-31. Review status: criteria provided, single submitter. Criteria: Invitae Variant Classification Sherloc (09022015). Collection method: clinical testing. Allele origin: germline.
Comment: This sequence change replaces arginine, which is basic and polar, with glutamine, which is neutral and polar, at codon 643 of the STAT4 protein (p.Arg643Gln). This variant is not present in population databases (gnomAD no frequency). This variant has not been reported in the literature in individuals affected with STAT4-related conditions. An algorithm developed to predict the effect of missense changes on protein structure and function (PolyPhen-2) suggests that this variant is likely to be disruptive. In summary, the available evidence is currently insufficient to determine the role of this variant in disease. Therefore, it has been classified as a Variant of Uncertain Significance.